The following is an entry in ClinVar:

ClinVar aggregate classification (germline): Uncertain significance (1 of 4 stars; one submission).

Allele frequency attached by ClinVar (database versions not stated): ExAC 0.00001; gnomAD 0.00001; TOPMed 0.00002; gnomAD exomes 0.00002.
gnomAD v4.1: 26 of 1,614,038 alleles (0.0016%); highest among the groups gnomAD compares: Non-Finnish European, 0.0013%; no homozygotes.

Submission:

Ambry Genetics
Classification: Uncertain significance. Last evaluated: 2026-04-21. Review status: criteria provided, single submitter. Criteria: Ambry Variant Classification Scheme 2023. Collection method: clinical testing. Allele origin: germline.
Comment: The c.332A>G (p.K111R) alteration is located in exon 2 (coding exon 1) of the APBB1 gene. This alteration results from a A to G substitution at nucleotide position 332, causing the lysine (K) at amino acid position 111 to be replaced by an arginine (R). Based on data from gnomAD, the G allele has an overall frequency of 0.002% (4/251414) total alleles studied. The highest observed frequency was <0.001% (/) of alleles. Based on insufficient or conflicting evidence, the clinical significance of this alteration remains unclear.

NM_001164.5(APBB1):c.332A>G (p.Lys111Arg)

Gene: APBB1 (amyloid beta precursor protein binding family B member 1; minus strand). Cytogenetic location: 11p15.4.
Variant type: single nucleotide variant.
Coding change: c.332A>G on transcript NM_001164.5 (MANE Select); coding-DNA position 332, A replaced by G.
Protein change: p.Lys111Arg; replaces lysine 111 with arginine.
Molecular consequence: missense variant. On other transcripts: non-coding transcript variant (1).
Genome position (GRCh38, 1-based): chr11:6,411,016, T>C on the plus strand (A>G on the coding strand, the complement: APBB1 is on the minus strand). VCF-style: chr11-6411016-T-C. GRCh37 (hg19) VCF-style: chr11-6432246-T-C.
Other names: c.332A>G, p.Lys111Arg (NM_145689.3); short protein forms K111R.
Identifiers: ClinVar variation 3127672 (VCV003127672.2), dbSNP rs748534765, ClinGen allele CA5853673.